The following is an entry in ClinVar:

NM_001018115.3(FANCD2):c.2015C>T (p.Pro672Leu)

Genes: FANCD2 (FA complementation group D2; plus strand), LOC107303338 (3p25 FANCD2 Alu-mediated recombination region; plus strand). Cytogenetic location: 3p25.3.
Variant type: single nucleotide variant.
Coding change: c.2015C>T on transcript NM_001018115.3 (MANE Select); coding-DNA position 2015, C replaced by T.
Protein change: p.Pro672Leu; replaces proline 672 with leucine.
Molecular consequence: missense variant.
Genome position (GRCh38, 1-based): chr3:10,064,423, C>T. VCF-style: chr3-10064423-C-T. GRCh37 (hg19) VCF-style: chr3-10106107-C-T.
Other names: c.2015C>T, p.Pro672Leu (NM_001319984.2, NM_001374254.1, NM_033084.6); c.1904C>T, p.Pro635Leu (NM_001374253.1); short protein forms P672L, P635L.
Identifiers: ClinVar variation 851535 (VCV000851535.10), dbSNP rs754258198, ClinGen allele CA2249918.

ClinVar aggregate classification (germline): Uncertain significance. Review status: criteria provided, multiple submitters, no conflicts (2 of 4 stars). 2 submissions from 2 submitters: Uncertain significance (2). Last evaluated 2024-02-05.

Conditions:
Fanconi anemia (FA). Also called: Fanconi's anemia. Identifiers: Orphanet 84, MedGen C0015625, MeSH D005199, MONDO:0019391.
Inborn genetic diseases. Identifiers: MedGen C0950123, MeSH D030342.

Allele frequency attached by ClinVar (database versions not stated): TOPMed 0.00001; ExAC 0.00002.

Submissions (2):

Ambry Genetics
Classification: Uncertain significance for Inborn genetic diseases. Last evaluated: 2024-02-05. Review status: criteria provided, single submitter. Criteria: Ambry Variant Classification Scheme 2023. Collection method: clinical testing. Allele origin: germline.

Labcorp Genetics (formerly Invitae), Labcorp
Classification: Uncertain significance for Fanconi anemia. Last evaluated: 2023-12-09. Review status: criteria provided, single submitter. Criteria: Invitae Variant Classification Sherloc (09022015). Collection method: clinical testing. Allele origin: germline.
Comment: This sequence change replaces proline, which is neutral and non-polar, with leucine, which is neutral and non-polar, at codon 672 of the FANCD2 protein (p.Pro672Leu). This variant is present in population databases (rs754258198, gnomAD 0.01%). This variant has not been reported in the literature in individuals affected with FANCD2-related conditions. ClinVar contains an entry for this variant (Variation ID: 851535). Advanced modeling of protein sequence and biophysical properties (such as structural, functional, and spatial information, amino acid conservation, physicochemical variation, residue mobility, and thermodynamic stability) performed at Invitae indicates that this missense variant is not expected to disrupt FANCD2 protein function with a negative predictive value of 80%. In summary, the available evidence is currently insufficient to determine the role of this variant in disease. Therefore, it has been classified as a Variant of Uncertain Significance.